The following is an entry in ClinVar:

NM_022089.4(ATP13A2):c.3356T>G (p.Leu1119Arg)

Gene: ATP13A2 (ATPase cation transporting 13A2; minus strand). Cytogenetic location: 1p36.13.
Variant type: single nucleotide variant.
Coding change: c.3356T>G on transcript NM_022089.4 (MANE Select); coding-DNA position 3356, T replaced by G.
Protein change: p.Leu1119Arg; replaces leucine 1119 with arginine.
Molecular consequence: missense variant. On other transcripts: intron variant (1).
Genome position (GRCh38, 1-based): chr1:16,986,512, A>C on the plus strand (T>G on the coding strand, the complement: ATP13A2 is on the minus strand). VCF-style: chr1-16986512-A-C. GRCh37 (hg19) VCF-style: chr1-17313007-A-C.
Other names: c.3341T>G, p.Leu1114Arg (NM_001141973.3); c.3104-154T>G (NM_001141974.3); c.3356T>G (NM_022089.2); short protein forms L1114R, L1119R.
Identifiers: ClinVar variation 1434109 (VCV001434109.4), dbSNP rs375453342, ClinGen allele CA636518.

ClinVar aggregate classification (germline): Uncertain significance. Review status: criteria provided, multiple submitters, no conflicts (2 of 4 stars). 2 submissions from 2 submitters: Uncertain significance (2). Last evaluated 2022-10-27.

Conditions:
Autosomal recessive spastic paraplegia type 78. Identifiers: Orphanet 513436, MedGen C5567893, MONDO:0014975, OMIM 617225.
Kufor-Rakeb syndrome (KRS). Also called: PARKINSON DISEASE 9, AUTOSOMAL RECESSIVE, JUVENILE-ONSET. Identifiers: Orphanet 306674, Orphanet 314632, MedGen C1847640, MONDO:0011706, OMIM 606693.
Inborn genetic diseases. Identifiers: MedGen C0950123, MeSH D030342.

Allele frequency attached by ClinVar (database versions not stated): gnomAD exomes below 0.00001 and 0.00004; gnomAD 0.00001; ExAC 0.00002; TOPMed 0.00003; ESP Exome Variant Server 0.00008.
gnomAD v4.1: 52 of 1,612,608 alleles (0.0032%); highest among the groups gnomAD compares: Non-Finnish European, 0.0043%; no homozygotes.

Submissions (2):

Ambry Genetics
Classification: Uncertain significance for Inborn genetic diseases. Last evaluated: 2022-10-27. Review status: criteria provided, single submitter. Criteria: Ambry Variant Classification Scheme 2023. Collection method: clinical testing. Allele origin: germline.

Labcorp Genetics (formerly Invitae), Labcorp
Classification: Uncertain significance for Kufor-Rakeb syndrome; Autosomal recessive spastic paraplegia type 78. Last evaluated: 2022-07-03. Review status: criteria provided, single submitter. Criteria: Invitae Variant Classification Sherloc (09022015). Collection method: clinical testing. Allele origin: germline.
Comment: This sequence change replaces leucine, which is neutral and non-polar, with arginine, which is basic and polar, at codon 1119 of the ATP13A2 protein (p.Leu1119Arg). This variant is present in population databases (rs375453342, gnomAD 0.0009%). This variant has not been reported in the literature in individuals affected with ATP13A2-related conditions. ClinVar contains an entry for this variant (Variation ID: 1434109). Algorithms developed to predict the effect of missense changes on protein structure and function are either unavailable or do not agree on the potential impact of this missense change (SIFT: "Deleterious"; PolyPhen-2: "Probably Damaging"; Align-GVGD: "Class C0"). In summary, the available evidence is currently insufficient to determine the role of this variant in disease. Therefore, it has been classified as a Variant of Uncertain Significance.